The following is an entry in ClinVar:

ClinVar aggregate classification (germline): Benign (1 of 4 stars; one submission).

Allele frequency attached by ClinVar (database versions not stated): 1000 Genomes Project 30x 0.08604; 1000 Genomes Project 0.08726; TOPMed 0.09928; gnomAD 0.10675 and 0.10708.
gnomAD v4.1: 16,235 of 152,244 alleles (11%); highest among the groups gnomAD compares: Non-Finnish European, 12%; 974 homozygotes.

Submission:

GeneDx
Classification: Benign. Last evaluated: 2018-06-19. Review status: criteria provided, single submitter. Criteria: GeneDx Variant Classification (06012015). Collection method: clinical testing. Allele origin: germline. Affected: yes.
Comment: This variant is considered likely benign or benign based on one or more of the following criteria: it is a conservative change, it occurs at a poorly conserved position in the protein, it is predicted to be benign by multiple in silico algorithms, and/or has population frequency not consistent with disease.

NM_000350.3(ABCA4):c.5019-176T>C

Gene: ABCA4 (ATP binding cassette subfamily A member 4; minus strand). Cytogenetic location: 1p22.1.
Variant type: single nucleotide variant.
Coding change: c.5019-176T>C on transcript NM_000350.3 (MANE Select); 176 bases into the intron before coding-DNA position 5019, T replaced by C.
Molecular consequence: intron variant.
Genome position (GRCh38, 1-based): chr1:94,019,935, A>G on the plus strand (T>C on the coding strand, the complement: ABCA4 is on the minus strand). VCF-style: chr1-94019935-A-G. GRCh37 (hg19) VCF-style: chr1-94485491-A-G.
Identifiers: ClinVar variation 678760 (VCV000678760.1), dbSNP rs17110850, ClinGen allele CA10776432.